The following is an entry in ClinVar:

ClinVar aggregate classification (germline): Uncertain significance (1 of 4 stars; one submission).

Conditions:
RASopathy. Also called: Noonan spectrum disorder; rasopathies. Identifiers: Orphanet 536391, MedGen C5555857, MONDO:0021060.

Submission:

Labcorp Genetics (formerly Invitae), Labcorp
Classification: Uncertain significance for RASopathy. Last evaluated: 2025-12-19. Review status: criteria provided, single submitter. Criteria: Invitae Variant Classification Sherloc (09022015). Collection method: clinical testing. Allele origin: germline.
Comment: This sequence change replaces valine, which is neutral and non-polar, with phenylalanine, which is neutral and non-polar, at codon 524 of the SOS1 protein (p.Val524Phe). This variant is not present in population databases (gnomAD no frequency). This variant has not been reported in the literature in individuals affected with SOS1-related conditions. Invitae Evidence Modeling of protein sequence and biophysical properties (such as structural, functional, and spatial information, amino acid conservation, physicochemical variation, residue mobility, and thermodynamic stability) has been performed for this missense variant. However, the output from this modeling did not meet the statistical confidence thresholds required to predict the impact of this variant on SOS1 protein function. In summary, the available evidence is currently insufficient to determine the role of this variant in disease. Therefore, it has been classified as a Variant of Uncertain Significance.

NM_005633.4(SOS1):c.1570G>T (p.Val524Phe)

Gene: SOS1 (SOS Ras/Rac guanine nucleotide exchange factor 1; minus strand). Cytogenetic location: 2p22.1.
Variant type: single nucleotide variant.
Coding change: c.1570G>T on transcript NM_005633.4 (MANE Select); coding-DNA position 1570, G replaced by T.
Protein change: p.Val524Phe; replaces valine 524 with phenylalanine.
Molecular consequence: missense variant.
Genome position (GRCh38, 1-based): chr2:39,022,858, C>A on the plus strand (G>T on the coding strand, the complement: SOS1 is on the minus strand). VCF-style: chr2-39022858-C-A. GRCh37 (hg19) VCF-style: chr2-39249999-C-A.
Other names: c.1549G>T, p.Val517Phe (NM_001382394.1); c.1570G>T, p.Val524Phe (NM_001382395.1); short protein forms V517F, V524F.
Identifiers: ClinVar variation 4747105 (VCV004747105.1).
Genomic context (GRCh38, chr2:39,022,858, plus strand): 5'-AAGATATCAATGCTGCCATCCAATTGTTTTTCTCTTCAGCTGACTTGGCAGAAAATATAA[C>A]ACTATTTTCATCTTTTAAAATTATTTCAAAAGCATGCTTGTATTCATTGGTGTCATCTTT-3'
Protein context (NP_005624.2, residues 514-534): FEIILKDENS[Val524Phe]IFSAKSAEEK